The following is an entry in ClinVar:

ClinVar aggregate classification (germline): Uncertain significance (1 of 4 stars; one submission).

Conditions:
Hereditary cancer-predisposing syndrome. Also called: Tumor predisposition; Hereditary Cancer Syndrome; Hereditary neoplastic syndrome; Neoplastic Syndromes, Hereditary. Identifiers: Orphanet 140162, MedGen C0027672, MeSH D009386, MONDO:0015356.

Submission:

Ambry Genetics
Classification: Uncertain significance for Hereditary cancer-predisposing syndrome. Last evaluated: 2023-06-30. Review status: criteria provided, single submitter. Criteria: Ambry Variant Classification Scheme 2023. Collection method: clinical testing. Allele origin: germline.
Comment: The p.P428L variant (also known as c.1283C>T), located in coding exon 9 of the ATM gene, results from a C to T substitution at nucleotide position 1283. The proline at codon 428 is replaced by leucine, an amino acid with similar properties. This amino acid position is well conserved in available vertebrate species. In addition, the in silico prediction for this alteration is inconclusive. Since supporting evidence is limited at this time, the clinical significance of this alteration remains unclear.

NM_000051.4(ATM):c.1283C>T (p.Pro428Leu)

Gene: ATM (ATM serine/threonine kinase; plus strand). Cytogenetic location: 11q22.3.
Variant type: single nucleotide variant.
Coding change: c.1283C>T on transcript NM_000051.4 (MANE Select); coding-DNA position 1283, C replaced by T.
Protein change: p.Pro428Leu; replaces proline 428 with leucine.
Molecular consequence: missense variant.
Genome position (GRCh38, 1-based): chr11:108,250,748, C>T. VCF-style: chr11-108250748-C-T. GRCh37 (hg19) VCF-style: chr11-108121475-C-T.
Other names: c.1283C>T, p.Pro428Leu (NM_001351834.2); short protein forms P428L.
Identifiers: ClinVar variation 2616043 (VCV002616043.2), dbSNP rs2135317219, ClinGen allele CA382533507.